The following is an entry in ClinVar:

NM_005633.4(SOS1):c.1069T>G (p.Leu357Val)

Gene: SOS1 (SOS Ras/Rac guanine nucleotide exchange factor 1; minus strand). Cytogenetic location: 2p22.1.
Variant type: single nucleotide variant.
Coding change: c.1069T>G on transcript NM_005633.4 (MANE Select); coding-DNA position 1069, T replaced by G.
Protein change: p.Leu357Val; replaces leucine 357 with valine.
Molecular consequence: missense variant.
Genome position (GRCh38, 1-based): chr2:39,035,217, A>C on the plus strand (T>G on the coding strand, the complement: SOS1 is on the minus strand). VCF-style: chr2-39035217-A-C. GRCh37 (hg19) VCF-style: chr2-39262358-A-C.
Other names: c.1048T>G, p.Leu350Val (NM_001382394.1); c.1069T>G, p.Leu357Val (NM_001382395.1); short protein forms L357V, L350V.
Identifiers: ClinVar variation 2567934 (VCV002567934.2), dbSNP rs1489141486, ClinGen allele CA346367068.
Genomic context (GRCh38, chr2:39,035,217, plus strand): 5'-AAAAAAAAAATTCACACTTGAATATGTTACAAATAACAATAAAGAGTTTTCTTACCTTCA[A>C]AAGTTCAAAGTAATGGAGACAGTGGTAAACAGGGGCCAGAAGCAGCCTGGGTAAAACATA-3'
Protein context (NP_005624.2, residues 347-367): VYHCLHYFEL[Leu357Val]KQLEEKSEDQ

ClinVar aggregate classification (germline): Uncertain significance (1 of 4 stars; one submission).

Conditions:
Cardiovascular phenotype. Identifiers: MedGen CN230736.

Submission:

Ambry Genetics
Classification: Uncertain significance for Cardiovascular phenotype. Last evaluated: 2023-04-28. Review status: criteria provided, single submitter. Criteria: Ambry Variant Classification Scheme 2023. Collection method: clinical testing. Allele origin: germline.
Comment: The p.L357V variant (also known as c.1069T>G), located in coding exon 8 of the SOS1 gene, results from a T to G substitution at nucleotide position 1069. The leucine at codon 357 is replaced by valine, an amino acid with highly similar properties. This amino acid position is conserved. In addition, this alteration is predicted to be deleterious by in silico analysis. Since supporting evidence is limited at this time, the clinical significance of this alteration remains unclear.